The following is an entry in ClinVar:

ClinVar aggregate classification (germline): Uncertain significance (1 of 4 stars; one submission).

Conditions:
Spastic paraplegia. Identifiers: MedGen C0037772, HP:0001258.

Allele frequency attached by ClinVar (database versions not stated): TOPMed below 0.00001.
gnomAD v4.1: 34 of 1,614,276 alleles (0.0021%); highest among the groups gnomAD compares: East Asian, 0.074%; no homozygotes.

Submission:

Labcorp Genetics (formerly Invitae), Labcorp
Classification: Uncertain significance for Spastic paraplegia. Last evaluated: 2024-12-02. Review status: criteria provided, single submitter. Criteria: Invitae Variant Classification Sherloc (09022015). Collection method: clinical testing. Allele origin: germline.
Comment: This sequence change replaces glutamine, which is neutral and polar, with arginine, which is basic and polar, at codon 2243 of the ZFYVE26 protein (p.Gln2243Arg). This variant is present in population databases (no rsID available, gnomAD 0.006%). This variant has not been reported in the literature in individuals affected with ZFYVE26-related conditions. ClinVar contains an entry for this variant (Variation ID: 2139833). An algorithm developed to predict the effect of missense changes on protein structure and function (PolyPhen-2) suggests that this variant is likely to be tolerated. In summary, the available evidence is currently insufficient to determine the role of this variant in disease. Therefore, it has been classified as a Variant of Uncertain Significance.

NM_015346.4(ZFYVE26):c.6728A>G (p.Gln2243Arg)

Gene: ZFYVE26 (zinc finger FYVE-type containing 26; minus strand). Cytogenetic location: 14q24.1.
Variant type: single nucleotide variant.
Coding change: c.6728A>G on transcript NM_015346.4 (MANE Select); coding-DNA position 6728, A replaced by G.
Protein change: p.Gln2243Arg; replaces glutamine 2243 with arginine.
Molecular consequence: missense variant.
Genome position (GRCh38, 1-based): chr14:67,756,006, T>C on the plus strand (A>G on the coding strand, the complement: ZFYVE26 is on the minus strand). VCF-style: chr14-67756006-T-C. GRCh37 (hg19) VCF-style: chr14-68222723-T-C.
Other names: short protein forms Q2243R.
Identifiers: ClinVar variation 2139833 (VCV002139833.3), dbSNP rs1378929158, ClinGen allele CA390161477.